The following is an entry in ClinVar:

NM_000043.6(FAS):c.781G>A (p.Glu261Lys)

Gene: FAS (Fas cell surface death receptor; plus strand). Cytogenetic location: 10q23.31.
Variant type: single nucleotide variant.
Coding change: c.781G>A on transcript NM_000043.6 (MANE Select); coding-DNA position 781, G replaced by A.
Protein change: p.Glu261Lys; replaces glutamic acid 261 with lysine.
Molecular consequence: missense variant. On other transcripts: 3 prime UTR variant (2), non-coding transcript variant (7).
Genome position (GRCh38, 1-based): chr10:89,014,223, G>A. VCF-style: chr10-89014223-G-A. GRCh37 (hg19) VCF-style: chr10-90773980-G-A.
Other names: p.Glu261Lys; c.*104G>A (NM_001320619.2); c.826G>A, p.Glu276Lys (NM_001410956.1); c.718G>A, p.Glu240Lys (NM_152871.4); c.*93G>A (NM_152872.4); short protein forms E240K, E261K, E276K.
Identifiers: ClinVar variation 2125605 (VCV002125605.5), dbSNP rs2495225308, ClinGen allele CA377509794.

ClinVar aggregate classification (germline): Conflicting classifications of pathogenicity. Review status: criteria provided, conflicting classifications (1 of 4 stars). 2 submissions from 2 submitters: Likely pathogenic (1); Uncertain significance (1). Last evaluated 2024-08-05.

Conditions:
Autoimmune lymphoproliferative syndrome type 1. Also called: AUTOIMMUNE LYMPHOPROLIFERATIVE SYNDROME, TYPE I, AUTOSOMAL DOMINANT. Identifiers: Orphanet 3261, MedGen C2717884, MONDO:0011158, OMIM 601859.

Submissions (2):

Mayo Clinic Laboratories, Mayo Clinic
Classification: Likely pathogenic. Last evaluated: 2024-08-05. Review status: criteria provided, single submitter. Criteria: ACMG Guidelines, 2015. Collection method: clinical testing. Allele origin: germline. Observed: 1 variant allele.
Comment: PM1_supporting, PM2, PS3_moderate, PS4_moderate

Labcorp Genetics (formerly Invitae), Labcorp
Classification: Uncertain significance for Autoimmune lymphoproliferative syndrome. Last evaluated: 2022-04-12. Review status: criteria provided, single submitter. Criteria: Invitae Variant Classification Sherloc (09022015). Collection method: clinical testing. Allele origin: germline.
Comment: Algorithms developed to predict the effect of missense changes on protein structure and function are either unavailable or do not agree on the potential impact of this missense change (SIFT: "Not Available"; PolyPhen-2: "Probably Damaging"; Align-GVGD: "Not Available"). This sequence change replaces glutamic acid, which is acidic and polar, with lysine, which is basic and polar, at codon 261 of the FAS protein (p.Glu261Lys). This variant is not present in population databases (gnomAD no frequency). This variant has not been reported in the literature in individuals affected with FAS-related conditions. Experimental studies have shown that this missense change affects FAS function (PMID: 20935634). In summary, the available evidence is currently insufficient to determine the role of this variant in disease. Therefore, it has been classified as a Variant of Uncertain Significance.

Literature cited by the submitters: PubMed 20935634 (cited by Mayo Clinic Laboratories, Mayo Clinic and Labcorp Genetics (formerly Invitae), Labcorp); PubMed 23840885 (cited by Mayo Clinic Laboratories, Mayo Clinic); PubMed 32602471 (cited by Mayo Clinic Laboratories, Mayo Clinic); PubMed 35741037 (cited by Mayo Clinic Laboratories, Mayo Clinic).